The following is an entry in ClinVar:

ClinVar aggregate classification (germline): Uncertain significance. Review status: criteria provided, multiple submitters, no conflicts (2 of 4 stars). 2 submissions from 2 submitters: Uncertain significance (2). Last evaluated 2025-12-03.

Conditions:
Acrocallosal syndrome (ACLS). Also called: HALLUX DUPLICATION, POSTAXIAL POLYDACTYLY, AND ABSENCE OF CORPUS CALLOSUM; Schinzel syndrome 1; Absence of corpus callosum with unusual facial appearance, mental deficiency, duplication of the halluces and polydactyly. Identifiers: Orphanet 36, MedGen C0796147, MONDO:0008708, OMIM 200990.
Hydrolethalus syndrome 2 (HLS2). Identifiers: Orphanet 2189, MedGen C3279899, MONDO:0013585, OMIM 614120.
Multiple epiphyseal dysplasia, Al-Gazali type. Also called: Macrocephaly with multiple epiphyseal dysplasia and distinctive facies. Identifiers: Orphanet 166024, MedGen C1846722, MONDO:0011778, OMIM 607131.

gnomAD v4.1: 1 of 1,613,902 alleles (0.000062%); highest among the groups gnomAD compares: African/African-American, 0.0013%; no homozygotes.

Submissions (2):

Labcorp Genetics (formerly Invitae), Labcorp
Classification: Uncertain significance for Acrocallosal syndrome. Last evaluated: 2025-12-03. Review status: criteria provided, single submitter. Criteria: Invitae Variant Classification Sherloc (09022015). Collection method: clinical testing. Allele origin: germline.
Comment: This sequence change replaces arginine, which is basic and polar, with threonine, which is neutral and polar, at codon 1221 of the KIF7 protein (p.Arg1221Thr). This variant is present in population databases (no rsID available, gnomAD 0.007%). This variant has not been reported in the literature in individuals affected with KIF7-related conditions. ClinVar contains an entry for this variant (Variation ID: 3578026). An algorithm developed to predict the effect of missense changes on protein structure and function (PolyPhen-2) suggests that this variant is likely to be tolerated. In summary, the available evidence is currently insufficient to determine the role of this variant in disease. Therefore, it has been classified as a Variant of Uncertain Significance.

Fulgent Genetics
Classification: Uncertain significance for Acrocallosal syndrome; Multiple epiphyseal dysplasia, Al-Gazali type; Hydrolethalus syndrome 2. Last evaluated: 2024-05-03. Review status: criteria provided, single submitter. Criteria: ACMG Guidelines, 2015. Collection method: clinical testing. Allele origin: germline.

NM_198525.3(KIF7):c.3662G>C (p.Arg1221Thr)

Genes: KIF7 (kinesin family member 7; minus strand), LOC126862216 (BRD4-independent group 4 enhancer GRCh37_chr15:90171995-90173194; plus strand). Cytogenetic location: 15q26.1.
Variant type: single nucleotide variant.
Coding change: c.3662G>C on transcript NM_198525.3 (MANE Select); coding-DNA position 3662, G replaced by C.
Protein change: p.Arg1221Thr; replaces arginine 1221 with threonine.
Molecular consequence: missense variant.
Genome position (GRCh38, 1-based): chr15:89,628,978, C>G on the plus strand (G>C on the coding strand, the complement: KIF7 is on the minus strand). VCF-style: chr15-89628978-C-G. GRCh37 (hg19) VCF-style: chr15-90172209-C-G.
Other names: short protein forms R1221T.
Identifiers: ClinVar variation 3578026 (VCV003578026.2).